The following is an entry in ClinVar:

ClinVar aggregate classification (germline): Uncertain significance. Review status: criteria provided, multiple submitters, no conflicts (2 of 4 stars). 3 submissions from 3 submitters: Uncertain significance (2). 1 of the submissions does not count toward it. Last evaluated 2025-08-08.

Conditions:
Inborn genetic diseases. Identifiers: MedGen C0950123, MeSH D030342.
Smith-Lemli-Opitz syndrome (SLOS). Also called: LETHAL ACRODYSGENITAL SYNDROME; POLYDACTYLY, SEX REVERSAL, RENAL HYPOPLASIA, AND UNILOBAR LUNG; RSH SYNDROME; RUTLEDGE LETHAL MULTIPLE CONGENITAL ANOMALY SYNDROME; 7-Dehydrocholesterol reductase deficiency. Identifiers: Orphanet 818, MedGen C0175694, MONDO:0010035, OMIM 270400.

Allele frequency attached by ClinVar (database versions not stated): gnomAD exomes 0.00002 and 0.00006; TOPMed 0.00002; ExAC 0.00007; gnomAD 0.00007 and 0.00008.
gnomAD v4.1: 52 of 1,614,092 alleles (0.0032%); highest among the groups gnomAD compares: Non-Finnish European, 0.0021%; no homozygotes.

Submissions (3):

Ambry Genetics
Classification: Uncertain significance for Inborn genetic diseases. Last evaluated: 2025-08-08. Review status: criteria provided, single submitter. Criteria: Ambry Variant Classification Scheme 2023. Collection method: clinical testing. Allele origin: germline.

ARUP Laboratories, Molecular Genetics and Genomics, ARUP Laboratories
Classification: Uncertain significance. Last evaluated: 2017-12-12. Review status: criteria provided, single submitter. Criteria: ARUP Molecular Germline Variant Investigation Process. Collection method: clinical testing. Allele origin: germline.
Comment: The DHCR7 c.58A>G; p.Asn20Asp variant is not described in the medical literature, in gene-specific databases, or in the ClinVar database. The variant is listed in the dbSNP variant database (rs772572550) and in the Genome Aggregation Database in 24/277244 alleles. The asparagine at this position is moderately conserved across species and computational algorithms (AlignGVGD, PolyPhen2, SIFT) predict this variant is tolerated. Considering available information, there is insufficient evidence to classify this variant with certainty.

Natera, Inc.
Classification: Uncertain significance for Smith-Lemli-Opitz syndrome. Last evaluated: 2020-04-16. Review status: no assertion criteria provided. Collection method: clinical testing. Allele origin: germline. Not counted in ClinVar's aggregate classification.

NM_001360.3(DHCR7):c.58A>G (p.Asn20Asp)

Gene: DHCR7 (7-dehydrocholesterol reductase; minus strand). Cytogenetic location: 11q13.4.
Variant type: single nucleotide variant.
Coding change: c.58A>G on transcript NM_001360.3 (MANE Select); coding-DNA position 58, A replaced by G.
Protein change: p.Asn20Asp; replaces asparagine 20 with aspartic acid.
Molecular consequence: missense variant.
Genome position (GRCh38, 1-based): chr11:71,444,895, T>C on the plus strand (A>G on the coding strand, the complement: DHCR7 is on the minus strand). VCF-style: chr11-71444895-T-C. GRCh37 (hg19) VCF-style: chr11-71155941-T-C.
Other names: c.58A>G, p.Asn20Asp (NM_001163817.2); short protein forms N20D.
Identifiers: ClinVar variation 618059 (VCV000618059.10), dbSNP rs772572550, ClinGen allele CA6162719.